The following is an entry in ClinVar:

ClinVar aggregate classification (germline): Pathogenic (1 of 4 stars; one submission).

Submission:

Labcorp Genetics (formerly Invitae), Labcorp
Classification: Pathogenic. Last evaluated: 2022-02-08. Review status: criteria provided, single submitter. Criteria: Invitae Variant Classification Sherloc (09022015). Collection method: clinical testing. Allele origin: germline.
Comment: This variant is a gross deletion of the genomic region encompassing exon(s) 62-64 of the USH2A gene. This variant would be expected to be in-frame, preserving the integrity of the reading frame. This variant has not been reported in the literature in individuals affected with USH2A-related conditions. The region of the USH2A gene that includes exon(s) 63-64 has been determined to be clinically significant (PMID: 26969326, 28041643; Invitae). Therefore, deletions that encompass that region are likely to be disease-causing. For these reasons, this variant has been classified as Pathogenic.

Literature cited by the submitters: PubMed 26969326; PubMed 28041643.

NC_000001.10:g.(?_215844314)_(215853718_?)del

Gene: USH2A (usherin; minus strand). Cytogenetic location: 1q41.
Variant type: Deletion.
Identifiers: ClinVar variation 1068613 (VCV001068613.7).